The following is an entry in ClinVar:

NM_001042492.3(NF1):c.1433A>T (p.Lys478Ile)

Gene: NF1 (neurofibromin 1; plus strand). Cytogenetic location: 17q11.2.
Variant type: single nucleotide variant.
Coding change: c.1433A>T on transcript NM_001042492.3 (MANE Select); coding-DNA position 1433, A replaced by T.
Protein change: p.Lys478Ile; replaces lysine 478 with isoleucine.
Molecular consequence: missense variant.
Genome position (GRCh38, 1-based): chr17:31,214,491, A>T. VCF-style: chr17-31214491-A-T. GRCh37 (hg19) VCF-style: chr17-29541509-A-T.
Other names: c.1433A>T, p.Lys478Ile (NM_000267.4, NM_001128147.3); short protein forms K478I.
Identifiers: ClinVar variation 3238247 (VCV003238247.1), dbSNP rs2143959146.
Genomic context (GRCh38, chr17:31,214,491, plus strand): 5'-TGTTTTTGTTTTGTTTTTAGAGTCTTACATTTAAAGAAAAAGTAACAAGCCTTAAATTTA[A>T]AGAAAAACCTACAGACCTGGAGACAAGAAGCTATAAGTATCTTCTCTTGTCCATGGTGAA-3'
Protein context (NP_001035957.1, residues 468-488): FKEKVTSLKF[Lys478Ile]EKPTDLETRS

ClinVar aggregate classification (germline): Uncertain significance (1 of 4 stars; one submission).

Conditions:
Hereditary cancer-predisposing syndrome. Also called: Neoplastic Syndromes, Hereditary; Tumor predisposition; Hereditary neoplastic syndrome; Hereditary Cancer Syndrome. Identifiers: Orphanet 140162, MedGen C0027672, MeSH D009386, MONDO:0015356.
Cardiovascular phenotype. Identifiers: MedGen CN230736.

Submission:

Ambry Genetics
Classification: Uncertain significance for Cardiovascular phenotype; Hereditary cancer-predisposing syndrome. Last evaluated: 2023-04-08. Review status: criteria provided, single submitter. Criteria: Ambry Variant Classification Scheme 2023. Collection method: clinical testing. Allele origin: germline.
Comment: The p.K478I variant (also known as c.1433A>T), located in coding exon 13 of the NF1 gene, results from an A to T substitution at nucleotide position 1433. The lysine at codon 478 is replaced by isoleucine, an amino acid with dissimilar properties. This amino acid position is conserved. In addition, the in silico prediction for this alteration is inconclusive. Since supporting evidence is limited at this time, the clinical significance of this alteration remains unclear.